The following is an entry in ClinVar:

ClinVar aggregate classification (germline): Pathogenic/Likely pathogenic. Review status: criteria provided, multiple submitters, no conflicts (2 of 4 stars). 4 submissions from 4 submitters: Pathogenic (1); Likely pathogenic (2). 1 of the submissions does not count toward it. Last evaluated 2024-01-06.

Conditions:
FTL-related disorders.
Hereditary hyperferritinemia with congenital cataracts. Also called: Hereditary hyperferritinemia cataract syndrome; Bonneau-Beaumont syndrome; HYPERFERRITINEMIA WITH OR WITHOUT CATARACT. Identifiers: Orphanet 163, MedGen C1833213, MONDO:0010952, OMIM 600886.
Neuroferritinopathy (NBIA3). Also called: NEURODEGENERATION WITH BRAIN IRON ACCUMULATION 3; BASAL GANGLIA DISEASE, ADULT-ONSET. Identifiers: Orphanet 157846, MedGen C1853578, MONDO:0011638, OMIM 606159.
L-ferritin deficiency (LFTD). Also called: L-FERRITIN DEFICIENCY, AUTOSOMAL DOMINANT. Identifiers: Orphanet 440731, MedGen C3810090, MONDO:0014274, OMIM 615604.

Allele frequency attached by ClinVar (database versions not stated): gnomAD exomes below 0.00001.
gnomAD v4.1: 1 of 696,300 alleles (0.00014%); highest among the groups gnomAD compares: Non-Finnish European, 0.00026%; no homozygotes.

Submissions (4):

Labcorp Genetics (formerly Invitae), Labcorp
Classification: Likely pathogenic for Neuroferritinopathy; Hereditary hyperferritinemia with congenital cataracts. Last evaluated: 2024-01-06. Review status: criteria provided, single submitter. Criteria: Invitae Variant Classification Sherloc (09022015). Collection method: clinical testing. Allele origin: germline.
Comment: This variant occurs in a non-coding region of the FTL gene. It does not change the encoded amino acid sequence of the FTL protein. This variant is not present in population databases (gnomAD no frequency). This variant has been observed in individuals with clinical features of hyperferritinemia-cataract syndrome (PMID: 10759702, 23300176; Invitae). This variant is also known as G51C, +51G>C. ClinVar contains an entry for this variant (Variation ID: 16482). Algorithms developed to predict the effect of variants on protein structure and function are not available or were not evaluated for this variant. Experimental studies have shown that this variant affects FTL function (PMID: 10759702). In summary, the currently available evidence indicates that the variant is pathogenic, but additional data are needed to prove that conclusively. Therefore, this variant has been classified as Likely Pathogenic.

Blueprint Genetics
Classification: Pathogenic for FTL-related disorders. Last evaluated: 2023-10-11. Review status: criteria provided, single submitter. Criteria: ACMG Guidelines, 2015. Collection method: clinical testing. Allele origin: germline. Affected: yes. Observed: 2 variant alleles.

Fulgent Genetics
Classification: Likely pathogenic for Hereditary hyperferritinemia with congenital cataracts; Neuroferritinopathy; L-ferritin deficiency. Last evaluated: 2021-10-23. Review status: criteria provided, single submitter. Criteria: ACMG Guidelines, 2015. Collection method: clinical testing. Allele origin: unknown.

OMIM
Classification: Pathogenic for HYPERFERRITINEMIA WITH OR WITHOUT CATARACT. Last evaluated: 2013-04-01. Review status: no assertion criteria provided. Collection method: literature only. Allele origin: germline. Not counted in ClinVar's aggregate classification.

Literature cited by the submitters: PubMed 10759702 (cited by Labcorp Genetics (formerly Invitae), Labcorp and OMIM); PubMed 23300176 (cited by Labcorp Genetics (formerly Invitae), Labcorp and OMIM); PubMed 23421845 (cited by OMIM).

NM_000146.4(FTL):c.-149G>C

Gene: FTL (ferritin light chain; plus strand). Cytogenetic location: 19q13.33.
Variant type: single nucleotide variant.
Coding change: c.-149G>C on transcript NM_000146.4 (MANE Select); 149 bases upstream of the start codon, G replaced by C.
Molecular consequence: 5 prime UTR variant.
Genome position (GRCh38, 1-based): chr19:48,965,359, G>C. VCF-style: chr19-48965359-G-C. GRCh37 (hg19) VCF-style: chr19-49468616-G-C.
Other names: -149G-C.
Identifiers: ClinVar variation 16482 (VCV000016482.6), dbSNP rs398124638, ClinGen allele CA126557.